The following is an entry in ClinVar:

NM_001999.4(FBN2):c.8332A>C (p.Lys2778Gln)

Gene: FBN2 (fibrillin 2; minus strand). Cytogenetic location: 5q23.3.
Variant type: single nucleotide variant.
Coding change: c.8332A>C on transcript NM_001999.4 (MANE Select); coding-DNA position 8332, A replaced by C.
Protein change: p.Lys2778Gln; replaces lysine 2778 with glutamine.
Molecular consequence: missense variant.
Genome position (GRCh38, 1-based): chr5:128,261,768, T>G on the plus strand (A>C on the coding strand, the complement: FBN2 is on the minus strand). VCF-style: chr5-128261768-T-G. GRCh37 (hg19) VCF-style: chr5-127597460-T-G.
Other names: short protein forms K2778Q.
Identifiers: ClinVar variation 213371 (VCV000213371.27), dbSNP rs371715068, ClinGen allele CA325055.
Genomic context (GRCh38, chr5:128,261,768, plus strand): 5'-GTGGCAACACAGAGTGGGATATACTCACAGCAGTGGGATCAGGTTCATGAATACTTCTCT[T>G]CTGCCTGCTGTCTTTCTTAGAATAGCCGTTGATTTTGCACTCGTAGCATGCTTCTGGGGA-3'
Protein context (NP_001990.2, residues 2768-2788): NGYSKKDSRQ[Lys2778Gln]RSIHEPDPTA

ClinVar aggregate classification (germline): Benign/Likely benign. Review status: criteria provided, multiple submitters, no conflicts (2 of 4 stars). 6 submissions from 6 submitters: Benign (4); Likely benign (1). 1 of the submissions does not count toward it. Last evaluated 2025-12-17.

Conditions:
Connective tissue disorder. Also called: Connective tissue disease. Identifiers: MedGen C0009782, MONDO:0003900.
FBN2-related disorder. Also called: FBN2-related condition.
Familial thoracic aortic aneurysm and aortic dissection (TAAD). Also called: Thoracic aortic aneurysms and dissections. Identifiers: Orphanet 91387, MedGen C4707243, MONDO:0019625.
Congenital contractural arachnodactyly (CCA). Also called: Beals-Hecht syndrome; BEALS SYNDROME; Arthrogryposis, distal, type 9. Identifiers: Orphanet 115, MedGen C0220668, MONDO:0007363, OMIM 121050.

Allele frequency attached by ClinVar (database versions not stated): gnomAD 0.00003; TOPMed 0.00003; ESP Exome Variant Server 0.00008; ExAC 0.00147; 1000 Genomes Project 30x 0.00187; 1000 Genomes Project 0.00200.
gnomAD v4.1: 1,117 of 1,614,248 alleles (0.069%); highest among the groups gnomAD compares: South Asian, 1.1%; 17 homozygotes.

Submissions (6):

Labcorp Genetics (formerly Invitae), Labcorp
Classification: Benign for Congenital contractural arachnodactyly. Last evaluated: 2025-12-17. Review status: criteria provided, single submitter. Criteria: Invitae Variant Classification Sherloc (09022015). Collection method: clinical testing. Allele origin: germline.

Genome Diagnostics Laboratory, The Hospital for Sick Children
Classification: Likely benign for Connective tissue disorder. Last evaluated: 2020-01-01. Review status: criteria provided, single submitter. Criteria: ACMG Guidelines, 2015. Collection method: clinical testing. Allele origin: germline.

GeneDx
Classification: Benign. Last evaluated: 2018-03-29. Review status: criteria provided, single submitter. Criteria: GeneDx Variant Classification Process June 2021. Collection method: clinical testing. Allele origin: germline. Affected: yes.

Illumina Laboratory Services, Illumina
Classification: Benign for Congenital contractural arachnodactyly. Last evaluated: 2018-01-12. Review status: criteria provided, single submitter. Criteria: ICSL Variant Classification Criteria 13 December 2019. Collection method: clinical testing. Allele origin: germline.
Comment: This variant was observed in the ICSL laboratory as part of a predisposition screen in an ostensibly healthy population. It had not been previously curated by ICSL or reported in the Human Gene Mutation Database (HGMD: prior to June 1st, 2018), and was therefore a candidate for classification through an automated scoring system. Utilizing variant allele frequency, disease prevalence and penetrance estimates, and inheritance mode, an automated score was calculated to assess if this variant is too frequent to cause the disease. Based on the score and internal cut-off values, a variant classified as benign is not then subjected to further curation. The score for this variant resulted in a classification of benign for this disease.

Ambry Genetics
Classification: Benign for Familial thoracic aortic aneurysm and aortic dissection. Last evaluated: 2016-02-12. Review status: criteria provided, single submitter. Criteria: Ambry Variant Classification Scheme 2023. Collection method: clinical testing. Allele origin: germline.

PreventionGenetics, part of Exact Sciences
Classification: Benign for FBN2-related condition. Last evaluated: 2023-12-15. Review status: no assertion criteria provided. Collection method: clinical testing. Allele origin: germline. Not counted in ClinVar's aggregate classification.
Comment: This variant is classified as benign based on ACMG/AMP sequence variant interpretation guidelines (Richards et al. 2015 PMID: 25741868, with internal and published modifications).